The following is an entry in ClinVar:

ClinVar aggregate classification (germline): Pathogenic (1 of 4 stars; one submission).

Conditions:
Epilepsy. Also called: Seizure disorder. Identifiers: MedGen C0014544, MeSH D004827, MONDO:0005027.

Submission:

Labcorp Genetics (formerly Invitae), Labcorp
Classification: Pathogenic for Epilepsy. Last evaluated: 2024-10-28. Review status: criteria provided, single submitter. Criteria: Invitae Variant Classification Sherloc (09022015). Collection method: clinical testing. Allele origin: germline.
Comment: This sequence change creates a premature translational stop signal (p.Gln321*) in the PIGQ gene. It is expected to result in an absent or disrupted protein product. Loss-of-function variants in PIGQ are known to be pathogenic (PMID: 24463883, 25558065). This variant is not present in population databases (gnomAD no frequency). This variant has not been reported in the literature in individuals affected with PIGQ-related conditions. For these reasons, this variant has been classified as Pathogenic.

Literature cited by the submitters: PubMed 24463883; PubMed 25558065.

NM_004204.5(PIGQ):c.961C>T (p.Gln321Ter)

Gene: PIGQ (phosphatidylinositol glycan anchor biosynthesis class Q; plus strand). Cytogenetic location: 16p13.3.
Variant type: single nucleotide variant.
Coding change: c.961C>T on transcript NM_004204.5 (MANE Select); coding-DNA position 961, C replaced by T.
Protein change: p.Gln321Ter; replaces glutamine 321 with a stop codon.
Molecular consequence: nonsense.
Genome position (GRCh38, 1-based): chr16:578,397, C>T. VCF-style: chr16-578397-C-T. GRCh37 (hg19) VCF-style: chr16-628397-C-T.
Other names: c.961C>T, p.Gln321Ter (NM_148920.4); short protein forms Q321*.
Identifiers: ClinVar variation 3611634 (VCV003611634.2).